The following is an entry in ClinVar:

ClinVar aggregate classification (germline): Uncertain significance (1 of 4 stars; one submission).

Submission:

Dasa
Classification: Uncertain significance. Last evaluated: 2026-01-15. Review status: criteria provided, single submitter. Criteria: DASA Assertion Criteria. Collection method: clinical testing. Allele origin: germline.
Comment: NM_058004.4(PI4KA):c.5688C>G (p.Ile1896Met) is a missense variant that results in the substitution of isoleucine with methionine. This variant has been observed in affected individuals with PI4KA-related disorders. Also, this variant is absent from population databases. The currently available literature and clinical evidence are not sufficient to establish a definitive association between this variant and the reported condition. Therefore, this variant is classified as a variant of uncertain significance.

NM_058004.4(PI4KA):c.5688C>G (p.Ile1896Met)

Gene: PI4KA (phosphatidylinositol 4-kinase alpha; minus strand). Cytogenetic location: 22q11.21.
Variant type: single nucleotide variant.
Coding change: c.5688C>G on transcript NM_058004.4 (MANE Select); coding-DNA position 5688, C replaced by G.
Protein change: p.Ile1896Met; replaces isoleucine 1896 with methionine.
Molecular consequence: missense variant.
Genome position (GRCh38, 1-based): chr22:20,712,600, G>C on the plus strand (C>G on the coding strand, the complement: PI4KA is on the minus strand). VCF-style: chr22-20712600-G-C. GRCh37 (hg19) VCF-style: chr22-21066888-G-C.
Other names: c.5595C>G, p.Ile1865Met (NM_001362862.2); c.5622C>G, p.Ile1874Met (NM_001362863.2); short protein forms I1865M, I1874M, I1896M.
Identifiers: ClinVar variation 4883786 (VCV004883786.2).
Genomic context (GRCh38, chr22:20,712,600, plus strand): 5'-CATGCCGAAGTCTGTCTGGCGGCCCAGCTGGTCCCGGGAGGTGCAGTCGGGGATGCACTC[G>C]ATCACCCCGCACTAGGAGGAAAGGCCAGTTCTGAGGCCCGCTGGGTGCGAGGTGCCCAGG-3'
Protein context (NP_477352.3, residues 1886-1906): VVATAPGCGV[Ile1896Met]ECIPDCTSRD